The following is an entry in ClinVar:

NM_002488.5(NDUFA2):c.134A>C (p.Lys45Thr)

Genes: NDUFA2 (NADH:ubiquinone oxidoreductase subunit A2; minus strand), TMCO6 (transmembrane and coiled-coil domains 6; plus strand). Cytogenetic location: 5q31.3.
Variant type: single nucleotide variant.
Coding change: c.134A>C on transcript NM_002488.5 (MANE Select); coding-DNA position 134, A replaced by C.
Protein change: p.Lys45Thr; replaces lysine 45 with threonine.
Molecular consequence: missense variant. On other transcripts: non-coding transcript variant (1).
Genome position (GRCh38, 1-based): chr5:140,647,330, T>G on the plus strand (A>C on the coding strand, the complement: NDUFA2 is on the minus strand). VCF-style: chr5-140647330-T-G. GRCh37 (hg19) VCF-style: chr5-140026915-T-G.
Other names: c.134A>C, p.Lys45Thr (NM_001185012.2); short protein forms K45T.
Identifiers: ClinVar variation 214711 (VCV000214711.5), dbSNP rs757982865, ClinGen allele CA325196.

ClinVar aggregate classification (germline): Pathogenic. Review status: criteria provided, single submitter (1 of 4 stars). 2 submissions from 2 submitters: Pathogenic (1). 1 of the submissions does not count toward it.

Conditions:
Cystic Leukoencephalopathy.
Mitochondrial complex I deficiency, nuclear type 13. Also called: Mitochondrial complex 1 deficiency, nuclear type 13. Identifiers: MedGen C4748770, MONDO:0032618, OMIM 618235.

Allele frequency attached by ClinVar (database versions not stated): gnomAD exomes below 0.00001; ExAC 0.00001.
gnomAD v4.1: 1 of 1,605,224 alleles (0.000062%); highest among the groups gnomAD compares: South Asian, 0.0011%; no homozygotes.

Submissions (2):

MyeliNeuroGene Lab, McGill University Health Center Research Institute
Classification: Pathogenic for Cystic Leukoencephalopathy. Review status: criteria provided, single submitter. Criteria: Submitter's publication. Collection method: research, in vitro. Allele origin: inherited, not applicable. Inheritance: Autosomal recessive inheritance. Affected: yes. Observed: 2 variant alleles, 1 compound heterozygote, 1 homozygote.
Comment: This is the first report of autosomal recessive mutations in NDUFA2 associated with cystic leukoencephalopathy.

OMIM
Classification: Pathogenic for MITOCHONDRIAL COMPLEX I DEFICIENCY, NUCLEAR TYPE 13. Last evaluated: 2020-09-18. Review status: no assertion criteria provided. Collection method: literature only. Allele origin: germline. Not counted in ClinVar's aggregate classification.

Literature cited by the submitters: PubMed 28857146 (cited by OMIM); PubMed 27159321 (cited by OMIM).